The following is an entry in ClinVar:

NM_000138.5(FBN1):c.7209C>T (p.Ile2403=)

Gene: FBN1 (fibrillin 1; minus strand). Cytogenetic location: 15q21.1.
Variant type: single nucleotide variant.
Coding change: c.7209C>T on transcript NM_000138.5 (MANE Select); coding-DNA position 7209, C replaced by T.
Protein change: p.Ile2403=; no amino-acid change (isoleucine 2403 retained).
Molecular consequence: synonymous variant.
Genome position (GRCh38, 1-based): chr15:48,425,860, G>A on the plus strand (C>T on the coding strand, the complement: FBN1 is on the minus strand). VCF-style: chr15-48425860-G-A. GRCh37 (hg19) VCF-style: chr15-48718057-G-A.
Identifiers: ClinVar variation 700820 (VCV000700820.18), dbSNP rs767903343, ClinGen allele CA058100.

ClinVar aggregate classification (germline): Likely benign. Review status: criteria provided, multiple submitters, no conflicts (2 of 4 stars). 6 submissions from 6 submitters: Likely benign (6). Last evaluated 2026-09-01.

Conditions:
Marfan syndrome (MFS). Also called: MARFAN SYNDROME, TYPE I; FBN1-Related Marfan Syndrome; Marfan syndrome, classic; Marfan syndrome type 1; Marfan's syndrome. Identifiers: Orphanet 284963, Orphanet 558, MedGen C0024796, MONDO:0007947, OMIM 154700.
Familial thoracic aortic aneurysm and aortic dissection (TAAD). Also called: Thoracic aortic aneurysms and dissections. Identifiers: Orphanet 91387, MedGen C4707243, MONDO:0019625.

Allele frequency attached by ClinVar (database versions not stated): TOPMed below 0.00001; gnomAD 0.00001; gnomAD exomes 0.00001 and 0.00002; ExAC 0.00003.
gnomAD v4.1: 15 of 1,606,372 alleles (0.00093%); highest among the groups gnomAD compares: East Asian, 0.0022%; no homozygotes.

Submissions (6):

CeGaT Center for Human Genetics Tuebingen
Classification: Likely benign. Last evaluated: 2026-09-01. Review status: criteria provided, single submitter. Criteria: CeGaT Center For Human Genetics Tuebingen Variant Classification Criteria Version 2. Collection method: clinical testing. Allele origin: germline. Affected: yes. Observed: 1 variant allele.
Comment: FBN1: BP4, BP7

Labcorp Genetics (formerly Invitae), Labcorp
Classification: Likely benign for Marfan syndrome; Familial thoracic aortic aneurysm and aortic dissection. Last evaluated: 2025-01-14. Review status: criteria provided, single submitter. Criteria: Invitae Variant Classification Sherloc (09022015). Collection method: clinical testing. Allele origin: germline.

All of Us Research Program, National Institutes of Health
Classification: Likely benign for Marfan syndrome. Last evaluated: 2023-11-30. Review status: criteria provided, single submitter. Criteria: ACMG Guidelines, 2015. Collection method: clinical testing. Allele origin: germline. Inheritance: Autosomal dominant inheritance. Observed: 4 variant alleles, 4 heterozygotes.
Comment: This study involves interpretation of variants in research participants for the purpose of population health screening. Participant phenotype was not available at the time of variant classification. Additional details can be found in publication PMID: 35346344, PMCID: PMC8962531

GeneDx
Classification: Likely benign. Last evaluated: 2021-05-26. Review status: criteria provided, single submitter. Criteria: GeneDx Variant Classification Process June 2021. Collection method: clinical testing. Allele origin: germline. Affected: yes.

Color Diagnostics, LLC DBA Color Health
Classification: Likely benign for Familial thoracic aortic aneurysm and aortic dissection. Last evaluated: 2020-01-09. Review status: criteria provided, single submitter. Criteria: ACMG Guidelines, 2015. Collection method: clinical testing. Allele origin: germline.

Blueprint Genetics
Classification: Likely benign. Last evaluated: 2019-09-20. Review status: criteria provided, single submitter. Criteria: ACMG Guidelines, 2015. Collection method: clinical testing. Allele origin: germline.